The following is an entry in ClinVar:

NM_001430.5(EPAS1):c.691C>T (p.His231Tyr)

Genes: EPAS1 (endothelial PAS domain protein 1; plus strand), LOC126806210 (BRD4-independent group 4 enhancer GRCh37_chr2:46587586-46588785; plus strand). Cytogenetic location: 2p21.
Variant type: single nucleotide variant.
Coding change: c.691C>T on transcript NM_001430.5 (MANE Select); coding-DNA position 691, C replaced by T.
Protein change: p.His231Tyr; replaces histidine 231 with tyrosine.
Molecular consequence: missense variant.
Genome position (GRCh38, 1-based): chr2:46,361,002, C>T. VCF-style: chr2-46361002-C-T. GRCh37 (hg19) VCF-style: chr2-46588141-C-T.
Other names: short protein forms H231Y.
Identifiers: ClinVar variation 2977672 (VCV002977672.3), dbSNP rs2103637087, ClinGen allele CA346700159.
Genomic context (GRCh38, chr2:46,361,002, plus strand): 5'-CTGTGTGGCTACAAGGAGCCCCTGCTGTCCTGCCTCATCATCATGTGTGAACCAATCCAG[C>T]ACCCATCCCACATGGACATCCCCCTGGATAGCAAGACCTTCCTGAGCCGCCACAGCATGG-3'
Protein context (NP_001421.2, residues 221-241): CLIIMCEPIQ[His231Tyr]PSHMDIPLDS

ClinVar aggregate classification (germline): Uncertain significance (1 of 4 stars; one submission).

Allele frequency attached by ClinVar (database versions not stated): gnomAD exomes below 0.00001.
gnomAD v4.1: 1 of 1,614,172 alleles (0.000062%); highest among the groups gnomAD compares: Non-Finnish European, 0.000085%; no homozygotes.

Submission:

Labcorp Genetics (formerly Invitae), Labcorp
Classification: Uncertain significance. Last evaluated: 2023-08-04. Review status: criteria provided, single submitter. Criteria: Invitae Variant Classification Sherloc (09022015). Collection method: clinical testing. Allele origin: germline.
Comment: This variant is not present in population databases (gnomAD no frequency). This variant has not been reported in the literature in individuals affected with EPAS1-related conditions. An algorithm developed to predict the effect of missense changes on protein structure and function (PolyPhen-2) suggests that this variant is likely to be disruptive. In summary, the available evidence is currently insufficient to determine the role of this variant in disease. Therefore, it has been classified as a Variant of Uncertain Significance. This sequence change replaces histidine, which is basic and polar, with tyrosine, which is neutral and polar, at codon 231 of the EPAS1 protein (p.His231Tyr).